The following is an entry in ClinVar:

ClinVar aggregate classification (germline): Uncertain significance (1 of 4 stars; one submission).

Conditions:
Hereditary cancer-predisposing syndrome. Also called: Neoplastic Syndromes, Hereditary; Tumor predisposition; Hereditary Cancer Syndrome; Hereditary neoplastic syndrome. Identifiers: Orphanet 140162, MedGen C0027672, MeSH D009386, MONDO:0015356.

Submission:

Ambry Genetics
Classification: Uncertain significance for Hereditary cancer-predisposing syndrome. Last evaluated: 2025-11-15. Review status: criteria provided, single submitter. Criteria: Ambry Variant Classification Scheme 2023. Collection method: clinical testing. Allele origin: germline.
Comment: The p.D249H variant (also known as c.745G>C), located in coding exon 5 of the RAD50 gene, results from a G to C substitution at nucleotide position 745. The aspartic acid at codon 249 is replaced by histidine, an amino acid with similar properties. This amino acid position is conserved. In addition, this alteration is predicted to be tolerated by in silico analysis. Based on the available evidence, the clinical significance of this variant remains unclear.

NM_005732.4(RAD50):c.745G>C (p.Asp249His)

Gene: RAD50 (RAD50 double strand break repair protein; plus strand). Cytogenetic location: 5q31.1.
Variant type: single nucleotide variant.
Coding change: c.745G>C on transcript NM_005732.4 (MANE Select); coding-DNA position 745, G replaced by C.
Protein change: p.Asp249His; replaces aspartic acid 249 with histidine.
Molecular consequence: missense variant.
Genome position (GRCh38, 1-based): chr5:132,580,055, G>C. VCF-style: chr5-132580055-G-C. GRCh37 (hg19) VCF-style: chr5-131915747-G-C.
Other names: short protein forms D249H.
Identifiers: ClinVar variation 4678109 (VCV004678109.1).